The following is an entry in ClinVar:

ClinVar aggregate classification (germline): Conflicting classifications of pathogenicity. Review status: criteria provided, conflicting classifications (1 of 4 stars). 19 submissions from 19 submitters: Likely pathogenic (1); Uncertain significance (15). 3 of the submissions do not count toward it. Last evaluated 2026-07-16.

Conditions:
MYH7-related disorder. Also called: MYH7-related condition; MYH7-related disease; MYH7-related disorders.
Cardiovascular phenotype. Identifiers: MedGen CN230736.
Cardiomyopathy (CMYO). Also called: Cardiomyopathies. Identifiers: Orphanet 167848, MedGen C0878544, MONDO:0004994, HP:0001638. Inheritance: Various modes of inheritance.
Arrhythmogenic right ventricular cardiomyopathy (ARVD). Also called: Arrhythmogenic right ventricular dysplasia; Cardiomyopathy, ARVC; Arrhythmogenic Right Ventricular Cardiomyopathy (ARVC); Arrhythmogenic cardiomyopathy. Identifiers: Orphanet 247, MedGen C0349788, MeSH D019571, MONDO:0016587. Disease mechanism: loss of function. Inheritance: Various modes of inheritance.
Hypertrophic cardiomyopathy 1 (CMH1). Also called: Familial hypertrophic cardiomyopathy 1; MYH7-Related Familial Hypertrophic Cardiomyopathy. Identifiers: MedGen C3495498, MONDO:0008647, OMIM 192600.
Hypertrophic cardiomyopathy. Also called: HYPERTROPHIC MYOCARDIOPATHY. Identifiers: Orphanet 217569, MedGen C0007194, MeSH D002312, MONDO:0005045, HP:0001639.

Allele frequency attached by ClinVar (database versions not stated): gnomAD 0.00001; TOPMed 0.00003; gnomAD exomes 0.00004; ExAC 0.00005; ESP Exome Variant Server 0.00008.
gnomAD v4.1: 66 of 1,614,048 alleles (0.0041%); highest among the groups gnomAD compares: Non-Finnish European, 0.005%; no homozygotes.

Submissions 1 to 8 of 19:

PreventionGenetics, part of Exact Sciences
Classification: Uncertain significance for MYH7-related condition. Last evaluated: 2026-07-16. Review status: criteria provided, single submitter. Criteria: ACMG Guidelines, 2015. Collection method: clinical testing. Allele origin: germline.
Comment: The MYH7 c.4817G>A variant is predicted to result in the amino acid substitution p.Arg1606His. This variant has been reported in several cohort studies of individuals with hypertrophic cardiomyopathy or atrial fibrillation; however, clinical details and segregation analyses were not provided (Marsiglia et al. 2013. PubMed ID: 24093860; Helms et al. 2014. PubMed ID: 25031304; Dataset S1, Homburger et al. 2016. PubMed ID: 27247418; Table S1B, Walsh et al. 2016. PubMed ID: 27532257; eTable 2, Yoneda et al. 2021. PubMed ID: 34495297). This variant is reported in 0.0070% of alleles in individuals of European (Non-Finnish) descent in gnomAD and interpreted as uncertain significance in ClinVar (ClinVar ID: 43039). At this time, the clinical significance of this variant is uncertain due to the absence of conclusive functional and genetic evidence.

Labcorp Genetics (formerly Invitae), Labcorp
Classification: Uncertain significance for Hypertrophic cardiomyopathy. Last evaluated: 2026-01-11. Review status: criteria provided, single submitter. Criteria: Invitae Variant Classification Sherloc (09022015). Collection method: clinical testing. Allele origin: germline.
Comment: This sequence change replaces arginine, which is basic and polar, with histidine, which is basic and polar, at codon 1606 of the MYH7 protein (p.Arg1606His). This variant is present in population databases (rs373514686, gnomAD 0.007%). This missense change has been observed in individual(s) with clinical features of hypertrophic cardiomyopathy (PMID: 24093860, 25031304, 25351510, 27247418, 27532257, 28640247, 28771489, 29875424). ClinVar contains an entry for this variant (Variation ID: 43039). Invitae Evidence Modeling of protein sequence and biophysical properties (such as structural, functional, and spatial information, amino acid conservation, physicochemical variation, residue mobility, and thermodynamic stability) indicates that this missense variant is expected to disrupt MYH7 protein function with a positive predictive value of 95%. In summary, the available evidence is currently insufficient to determine the role of this variant in disease. Therefore, it has been classified as a Variant of Uncertain Significance.

GeneDx
Classification: Uncertain significance. Last evaluated: 2025-12-13. Review status: criteria provided, single submitter. Criteria: GeneDx Variant Classification Process June 2021. Collection method: clinical testing. Allele origin: germline. Affected: yes.
Comment: Reported in association with hypertrophic cardiomyopathy (PMID: 27247418, 24093860, 24793961, 25351510, 27532257, 28771489); In silico analysis supports that this missense variant has a deleterious effect on protein structure/function; This variant is associated with the following publications: (PMID: 24093860, 28771489, 25351510, 24793961, 25031304, 27532257, 34542152, 37652022, 33495597, 34495297, 27247418, 37466024)

Molecular Diagnostic Laboratory for Inherited Cardiovascular Disease, Montreal Heart Institute
Classification: Likely pathogenic for Cardiovascular phenotype. Last evaluated: 2025-12-02. Review status: criteria provided, single submitter. Criteria: ACMG Guidelines, 2015. Collection method: clinical testing. Allele origin: germline. Affected: yes.
Comment: PS4, PM5_supp, PP3

Department of Molecular Genetics, Istishari Arab Hospital
Classification: Uncertain significance for Hypertrophic cardiomyopathy 1. Last evaluated: 2025-10-09. Review status: criteria provided, single submitter. Criteria: ACMG Guidelines, 2015. Collection method: clinical testing. Allele origin: germline. Inheritance: Autosomal dominant inheritance. Affected: yes.
Comment: The MYH7 variant c.4817G>A, p.Arg1606His causes an amino acid change from Arg to His at position 1606. This variant has previously been reported to be associated with MYH7-related disorder (PMID: 27247418, 24093860, 24793961, 25351510, 27532257, 28771489). Additionally, a different missense change at the same codon (p.Arg1606Cys) has been reported to be associated with MYH7-related disorder (PMID: 25031304). The variant is observed at an extremely low frequency in the gnomAD v4.1.0 dataset (total allele frequency: <0.001%). It is classified as variant of uncertain significance based on ACMG/AMP/ClinGen SVI guidelines.

3billion
Classification: Uncertain significance for Hypertrophic cardiomyopathy 1. Last evaluated: 2025-10-03. Review status: criteria provided, single submitter. Criteria: ACMG Guidelines, 2015. Collection method: clinical testing. Allele origin: germline. Affected: yes.
Comment: The variant is observed at an extremely low frequency in the gnomAD v4.1.0 dataset (total allele frequency: 0.004%). Predicted Consequence/Location: Missense variant In silico tool predictions suggest damaging effect of the variant on gene or gene product [REVEL: 0.72 (>=0.6, sensitivity 0.68 and specificity 0.92); 3Cnet: 0.77 (> 0.75, sensitivity 0.96 and precision 0.92)]. The same nucleotide change resulting in the same amino acid change has been previously reported to be associated with MYH7-related disorder (PMID: 24093860).A different missense change at the same codon (p.Arg1606Cys) has been reported to be associated with MYH7-related disorder (PMID: 25031304). However the evidence of pathogenicity is insufficient at this time. Therefore, this variant is classified as VUS according to the recommendation of ACMG/AMP guideline.

Dasa
Classification: Uncertain significance. Last evaluated: 2025-02-14. Review status: criteria provided, single submitter. Criteria: DASA Assertion Criteria. Collection method: clinical testing. Allele origin: germline.
Comment: NM_000257.4(MYH7):c.4817G>A (p.Arg1606His) is a missense variant that results in the substitution of arginine with histidine. This variant has been recurrently observed in individuals with MYH7-related disorders (PMID: 24093860; PMID: 25031304; PMID: 25351510; PMID: 27247418; PMID: 27532257). Also, this variant is rare in population databases. Computational prediction algorithms are consistent with a deleterious effect. The currently available literature and clinical evidence are not sufficient to establish a definitive association between this variant and the reported condition. Therefore, this variant is classified as a variant of uncertain significance.

Women's Health and Genetics/Laboratory Corporation of America, LabCorp
Classification: Uncertain significance. Last evaluated: 2024-07-26. Review status: criteria provided, single submitter. Criteria: LabCorp Variant Classification Summary - May 2015. Collection method: clinical testing. Allele origin: germline.
Comment: Variant summary: MYH7 c.4817G>A (p.Arg1606His) results in a non-conservative amino acid change located in the Myosin tail domain (IPR002928) of the encoded protein sequence. Five of five in-silico tools predict a damaging effect of the variant on protein function. The variant allele was found at a frequency of 4e-05 in 251484 control chromosomes. This frequency is not significantly higher than estimated for a pathogenic variant in MYH7 causing Cardiomyopathy (4e-05 vs 0.0013), allowing no conclusion about variant significance. c.4817G>A has been reported in the literature in individuals affected with hypertrophic cardiomyopathy and Early-Onset Atrial Fibrillation, without strong evidence for causality (examples, Marsiglia_2013, Homburger_2016, Walsh_2017, Yoneda_2021, Park_2022). These report(s) do not provide unequivocal conclusions about association of the variant with Cardiomyopathy. One publication reports experimental evidence evaluating an impact on protein function, however, does not allow convincing conclusions about the variant effect (Helms_2014). The following publications have been ascertained in the context of this evaluation (PMID: 25031304, 27247418, 24093860, 34542152, 27532257, 34495297). ClinVar contains an entry for this variant (Variation ID: 43039). Based on the evidence outlined above, the variant was classified as uncertain significance.

NM_000257.4(MYH7):c.4817G>A (p.Arg1606His)

Genes: MYH7 (myosin heavy chain 7; minus strand), MHRT (myosin heavy chain associated RNA transcript; plus strand), LOC126861897 (BRD4-independent group 4 enhancer GRCh37_chr14:23884455-23885654; plus strand). Cytogenetic location: 14q11.2.
Variant type: single nucleotide variant.
Coding change: c.4817G>A on transcript NM_000257.4 (MANE Select); coding-DNA position 4817, G replaced by A.
Protein change: p.Arg1606His; replaces arginine 1606 with histidine.
Molecular consequence: missense variant. On other transcripts: non-coding transcript variant (1).
Genome position (GRCh38, 1-based): chr14:23,416,140, C>T on the plus strand (G>A on the coding strand, the complement: MYH7 is on the minus strand). VCF-style: chr14-23416140-C-T. GRCh37 (hg19) VCF-style: chr14-23885349-C-T.
Other names: p.R1606H:CGC>CAC; short protein forms R1606H.
Identifiers: ClinVar variation 43039 (VCV000043039.53), dbSNP rs373514686, ClinGen allele CA015352.